The following is an entry in ClinVar:

NM_007294.4(BRCA1):c.5287G>C (p.Gly1763Arg)

Gene: BRCA1 (BRCA1 DNA repair associated; minus strand). Cytogenetic location: 17q21.31.
Variant type: single nucleotide variant.
Coding change: c.5287G>C on transcript NM_007294.4 (MANE Select); coding-DNA position 5287, G replaced by C.
Protein change: p.Gly1763Arg; replaces glycine 1763 with arginine.
Molecular consequence: missense variant. On other transcripts: non-coding transcript variant (1).
Genome position (GRCh38, 1-based): chr17:43,051,108, C>G on the plus strand (G>C on the coding strand, the complement: BRCA1 is on the minus strand). VCF-style: chr17-43051108-C-G. GRCh37 (hg19) VCF-style: chr17-41203125-C-G.
Other names: c.5074G>C, p.Gly1692Arg (NM_001407571.1, NM_001407904.1, NM_001407906.1 and 12 more transcripts); c.5353G>C, p.Gly1785Arg (NM_001407581.1, NM_001407582.1); c.5350G>C, p.Gly1784Arg (NM_001407583.1, NM_001407585.1, NM_001407587.1 and 1 more transcripts); c.5347G>C, p.Gly1783Arg (NM_001407590.1, NM_001407591.1); c.5287G>C, p.Gly1763Arg (NM_001407593.1, NM_001407594.1, NM_001407596.1 and 6 more transcripts); c.5284G>C, p.Gly1762Arg (NM_001407610.1, NM_001407611.1, NM_001407612.1 and 17 more transcripts); c.5281G>C, p.Gly1761Arg (NM_001407630.1, NM_001407631.1, NM_001407632.1 and 14 more transcripts); c.5209G>C, p.Gly1737Arg (NM_001407652.1, NM_001407653.1, NM_001407654.1 and 1 more transcripts); and 72 more; short protein forms G1763R, G1716R, G659R, G1784R, G1609R, G1651R, G1673R, G1692R.
Identifiers: ClinVar variation 234183 (VCV000234183.14), dbSNP rs876660907, ClinGen allele CA10580488.

ClinVar aggregate classification (germline): Uncertain significance. Review status: criteria provided, multiple submitters, no conflicts (2 of 4 stars). 3 submissions from 3 submitters: Uncertain significance (3). Last evaluated 2025-03-26.

Conditions:
Hereditary breast ovarian cancer syndrome. Also called: Breast and ovarian cancer; Hereditary breast and ovarian cancer; Hereditary breast and ovarian cancer syndrome; Hereditary breast and/or ovarian cancer syndrome; BRCA1- and BRCA2-Associated Hereditary Breast and Ovarian Cancer; Hereditary breast and ovarian cancer syndrome (HBOC). Identifiers: Orphanet 145, MedGen C0677776, MeSH D061325, MONDO:0003582. Disease mechanism: loss of function.
Hereditary cancer-predisposing syndrome. Also called: Tumor predisposition; Hereditary Cancer Syndrome; Neoplastic Syndromes, Hereditary; Hereditary neoplastic syndrome. Identifiers: Orphanet 140162, MedGen C0027672, MeSH D009386, MONDO:0015356.

Submissions (4):

Ambry Genetics
Classification: Uncertain significance for Hereditary cancer-predisposing syndrome. Last evaluated: 2025-03-26. Review status: criteria provided, single submitter. Criteria: Ambry Variant Classification Scheme 2023. Collection method: clinical testing. Allele origin: germline.
Comment: The p.G1763R variant (also known as c.5287G>C), located in coding exon 19 of the BRCA1 gene, results from a G to C substitution at nucleotide position 5287. The glycine at codon 1763 is replaced by arginine, an amino acid with dissimilar properties. One functional study found that this nucleotide substitution is functional in a high throughput genome editing haploid cell survival assay (Findlay GM et al. Nature, 2018 Oct;562:217-222). This variant was also functional in homology directed repair and cisplatin resistance protein functional assays (Adamovich AI et al. Am J Hum Genet, 2022 Apr;109:618-630). This amino acid position is highly conserved in available vertebrate species. In addition, this alteration is predicted to be deleterious by in silico analysis. Based on the available evidence, the clinical significance of this variant remains unclear.

Quest Diagnostics Nichols Institute San Juan Capistrano
Classification: Uncertain significance. Last evaluated: 2023-12-06. Review status: criteria provided, single submitter. Criteria: Quest Diagnostics criteria. Collection method: clinical testing. Allele origin: unknown.
Comment: The BRCA1 c.5287G>C (p.Gly1763Arg) variant has been reported in the published literature to have no deleterious effect on BRCA1 protein function (PMID: 30209399 (2018)). This variant has also been reported to be located in region of the BRCA1 gene that is tolerant to missense changes (PMID: 31911673 (2020)). This variant has not been reported in large, multi-ethnic general populations (Genome Aggregation Database). Analysis of this variant using bioinformatics tools for the prediction of the effect of amino acid changes on protein structure and function yielded predictions that this variant is benign. Based on the available information, we are unable to determine the clinical significance of this variant.

Labcorp Genetics (formerly Invitae), Labcorp
Classification: Uncertain significance for Hereditary breast ovarian cancer syndrome. Last evaluated: 2022-11-16. Review status: criteria provided, single submitter. Criteria: Invitae Variant Classification Sherloc (09022015). Collection method: clinical testing. Allele origin: germline.
Comment: In summary, the available evidence is currently insufficient to determine the role of this variant in disease. Therefore, it has been classified as a Variant of Uncertain Significance. Experimental studies have shown that this missense change does not substantially affect BRCA1 function (PMID: 30209399). Advanced modeling of protein sequence and biophysical properties (such as structural, functional, and spatial information, amino acid conservation, physicochemical variation, residue mobility, and thermodynamic stability) performed at Invitae indicates that this missense variant is expected to disrupt BRCA1 protein function. ClinVar contains an entry for this variant (Variation ID: 234183). This variant has not been reported in the literature in individuals affected with BRCA1-related conditions. This variant is not present in population databases (gnomAD no frequency). This sequence change replaces glycine, which is neutral and non-polar, with arginine, which is basic and polar, at codon 1763 of the BRCA1 protein (p.Gly1763Arg).

Brotman Baty Institute, University of Washington
No classification provided (evidence only). Condition: Breast-ovarian cancer, familial 1. Review status: no classification provided. Collection method: in vitro. Allele origin: not applicable. Functional consequence: functionally_normal. Not counted in ClinVar's aggregate classification.
ClinVar note: "not provided" was previously submitted as the classification for the variant. However, the classification appeared to be based only on an observation of functional data so it was converted to no classification on 2025-07-30.

Literature cited by the submitters: PubMed 30209399 (cited by 3 submitters); PubMed 35196514 (cited by Ambry Genetics); PubMed 31911673 (cited by Quest Diagnostics Nichols Institute San Juan Capistrano).